The following is an entry in ClinVar:

ClinVar aggregate classification (germline): Uncertain significance (1 of 4 stars; one submission).

Conditions:
NTN1-related disorder. Also called: NTN1-related condition.

Submission:

PreventionGenetics, part of Exact Sciences
Classification: Uncertain significance for NTN1-related condition. Last evaluated: 2026-06-02. Review status: criteria provided, single submitter. Criteria: ACMG Guidelines, 2015. Collection method: clinical testing. Allele origin: germline.
Comment: The NTN1 c.528C>A variant is predicted to result in the amino acid substitution p.Phe176Leu. To our knowledge, this variant has not been reported in the literature or in a large population database (gnomAD), indicating this variant is rare. At this time, the clinical significance of this variant is uncertain due to the absence of conclusive functional and genetic evidence.

NM_004822.3(NTN1):c.528C>A (p.Phe176Leu)

Gene: NTN1 (netrin 1; plus strand). Cytogenetic location: 17p13.1.
Variant type: single nucleotide variant.
Coding change: c.528C>A on transcript NM_004822.3 (MANE Select); coding-DNA position 528, C replaced by A.
Protein change: p.Phe176Leu; replaces phenylalanine 176 with leucine.
Molecular consequence: missense variant.
Genome position (GRCh38, 1-based): chr17:9,022,901, C>A. VCF-style: chr17-9022901-C-A. GRCh37 (hg19) VCF-style: chr17-8926218-C-A.
Other names: short protein forms F176L.
Identifiers: ClinVar variation 4977178 (VCV004977178.1).
Genomic context (GRCh38, chr17:9,022,901, plus strand): 5'-CGAGTCCATGGCCATCTACAAGTCCATGGACTACGGGCGCACGTGGGTGCCCTTCCAGTT[C>A]TACTCCACGCAGTGCCGCAAGATGTACAACCGGCCGCACCGCGCGCCCATCACCAAGCAG-3'
Protein context (NP_004813.2, residues 166-186): DYGRTWVPFQ[Phe176Leu]YSTQCRKMYN